The following is an entry in ClinVar:

ClinVar aggregate classification (germline): Uncertain significance (1 of 4 stars; one submission).

Conditions:
TERC-related disorder. Also called: TERC-related condition.

Allele frequency attached by ClinVar (database versions not stated): TOPMed 0.00001; gnomAD 0.00001; gnomAD exomes 0.00001.

Submission:

PreventionGenetics, part of Exact Sciences
Classification: Uncertain significance for TERC-related condition. Last evaluated: 2023-01-05. Review status: criteria provided, single submitter. Criteria: ACMG Guidelines, 2015. Collection method: clinical testing. Allele origin: germline.
Comment: The TERC n.-1C>T variant is predicted to interfere with splicing. To our knowledge, this variant has not been reported in the literature or ClinVar database . This variant is reported in 0.0019% of alleles in individuals of European (Non-Finnish) descent in gnomAD. However, the use of computer prediction programs is not equivalent to functional evidence, and therefore the clinical significance of this variant is uncertain.

NR_001566.1(TERC):n.-1C>T

Genes: TERC (telomerase RNA component; minus strand), LOC110806306 (telomerase RNA component (TERC) promoter; plus strand). Cytogenetic location: 3q26.2.
Variant type: single nucleotide variant.
Genome position: GRCh38 VCF-style: chr3-169765061-G-A. GRCh37 (hg19) VCF-style: chr3-169482849-G-A.
Identifiers: ClinVar variation 2629903 (VCV002629903.1), dbSNP rs761839657, ClinGen allele CA87624635.
Genomic context (GRCh38, chr3:169,765,061, plus strand): 5'-CTCAGTTAGGGTTAGACAAAAAATGGCCACCACCCCTCCCAGGCCCACCCTCCGCAACCC[G>A]GTGCGCTGCCGGGCGAGTCGGCTTATAAAGGGAGCGGCCGCCGACCGCACGGATTGGCCA-3'